The following is an entry in ClinVar:

ClinVar aggregate classification (germline): Likely pathogenic. Review status: reviewed by expert panel (3 of 4 stars). 2 submissions from 2 submitters: Likely pathogenic (1). 1 of the submissions does not count toward it. Last evaluated 2022-12-14.

Conditions:
Very long chain acyl-CoA dehydrogenase deficiency (ACADVLD). Also called: Very Long-Chain Acyl-Coenzyme A Dehydrogenase Deficiency; VLCAD Deficiency. Identifiers: Orphanet 26793, MedGen C3887523, MONDO:0008723, OMIM 201475.

Submissions (2):

ClinGen ACADVL Variant Curation Expert Panel, ClinGen
Classification: Likely pathogenic for Very long chain acyl-CoA dehydrogenase deficiency. Last evaluated: 2022-12-14. Review status: reviewed by expert panel. Criteria: clingen acadvl acmg specifications v1. Collection method: curation. Allele origin: germline. Inheritance: Autosomal recessive inheritance.
Comment: The c.1251del (p.Ser418fs) also known as (p.Ser418AlafsTer12) variant in ACADVL is a frameshift variant predicted to cause a premature stop codon in biologically-relevant-exon 12/20 leading to nonsense mediated decay in a gene in which loss-of-function is an established disease mechanism (PVS1; PMIDs 9973285, 11590124). To our knowledge, this variant has not been reported in the literature in any individuals with very long chain acyl-CoA dehydrogenase (VLCAD) deficiency. Additionally, to our knowledge, functional assays have not been reported for this variant. This variant is absent from gnomAD v2.1.1 (PM2_Supporting). In summary, this variant meets the criteria to be classified as likely pathogenic for autosomal recessive VLCAD deficiency based on the ACMG/AMP criteria applied, as specified by the ClinGen ACADVL Variant Curation Expert Panel: PVS1, PM2_Supporting (VCEP specifications version1; approved November 8, 2021)

Labcorp Genetics (formerly Invitae), Labcorp
Classification: Pathogenic for Very long chain acyl-CoA dehydrogenase deficiency. Last evaluated: 2020-11-12. Review status: criteria provided, single submitter. Criteria: Invitae Variant Classification Sherloc (09022015). Collection method: clinical testing. Allele origin: germline. Not counted in ClinVar's aggregate classification.
Comment: For these reasons, this variant has been classified as Pathogenic. This variant has not been reported in the literature in individuals with ACADVL-related conditions. This variant is not present in population databases (ExAC no frequency). This sequence change creates a premature translational stop signal (p.Ser418Alafs*12) in the ACADVL gene. It is expected to result in an absent or disrupted protein product. Loss-of-function variants in ACADVL are known to be pathogenic (PMID: 9973285, 11590124).

Literature cited by the submitters: PubMed 9973285 (cited by Labcorp Genetics (formerly Invitae), Labcorp); PubMed 11590124 (cited by Labcorp Genetics (formerly Invitae), Labcorp).

NM_000018.4(ACADVL):c.1251del (p.Ser418fs)

Gene: ACADVL (acyl-CoA dehydrogenase very long chain; plus strand). Cytogenetic location: 17p13.1.
Variant type: Deletion.
Coding change: c.1251del on transcript NM_000018.4 (MANE Select); coding-DNA position 1251, one base deleted (C; older notation c.1251delC).
Protein change: p.Ser418fs; shifts the reading frame from serine 418.
Molecular consequence: frameshift variant.
Genome position (GRCh38, 1-based): chr17:7,223,712, C deleted. VCF-style (leftmost placement, unchanged base first): chr17-7223711-TC-T. GRCh37 (hg19) VCF-style: chr17-7127030-TC-T.
Other names: NM_000018.4(ACADVL):c.1251del; p.Ser418fs; c.1185del, p.Ser396fs (NM_001033859.3); c.1320del, p.Ser441fs (NM_001270447.2); c.1023del, p.Ser342fs (NM_001270448.2); short protein forms S342fs, S396fs, S418fs, S441fs.
Identifiers: ClinVar variation 1073505 (VCV001073505.9), dbSNP rs2142984544, ClinGen allele CA2499224903.